The following is an entry in ClinVar:

ClinVar aggregate classification (germline): Likely benign. Review status: criteria provided, multiple submitters, no conflicts (2 of 4 stars). 2 submissions from 2 submitters: Likely benign (2). Last evaluated 2022-10-20.

Conditions:
Nemaline myopathy 2 (NEM2). Also called: Nemaline myopathy 2, autosomal recessive. Identifiers: MedGen C1850569, MONDO:0009725, OMIM 256030.

Allele frequency attached by ClinVar (database versions not stated): gnomAD exomes below 0.00001.
gnomAD v4.1: 4 of 1,611,238 alleles (0.00025%); highest among the groups gnomAD compares: Non-Finnish European, 0.00034%; no homozygotes.

Submissions (2):

Labcorp Genetics (formerly Invitae), Labcorp
Classification: Likely benign for Nemaline myopathy 2. Last evaluated: 2022-10-20. Review status: criteria provided, single submitter. Criteria: Invitae Variant Classification Sherloc (09022015). Collection method: clinical testing. Allele origin: germline.

GeneDx
Classification: Likely benign. Last evaluated: 2017-12-12. Review status: criteria provided, single submitter. Criteria: GeneDx Variant Classification (06012015). Collection method: clinical testing. Allele origin: germline. Affected: yes.
Comment: This variant is considered likely benign or benign based on one or more of the following criteria: it is a conservative change, it occurs at a poorly conserved position in the protein, it is predicted to be benign by multiple in silico algorithms, and/or has population frequency not consistent with disease.

NM_001164508.2(NEB):c.21510A>G (p.Lys7170=)

Genes: NEB (nebulin; minus strand), RIF1 (replication timing regulatory factor 1; plus strand). Cytogenetic location: 2q23.3.
Variant type: single nucleotide variant.
Coding change: c.21510A>G on transcript NM_001164508.2 (MANE Select); coding-DNA position 21510, A replaced by G.
Protein change: p.Lys7170=; no amino-acid change (lysine 7170 retained).
Molecular consequence: synonymous variant.
Genome position (GRCh38, 1-based): chr2:151,531,804, T>C on the plus strand (A>G on the coding strand, the complement: NEB is on the minus strand). VCF-style: chr2-151531804-T-C. GRCh37 (hg19) VCF-style: chr2-152388318-T-C.
Other names: c.21510A>G, p.Lys7170= (NM_001164507.2); c.21615A>G, p.Lys7205= (NM_001271208.2); c.16407A>G, p.Lys5469= (NM_004543.5).
Identifiers: ClinVar variation 513858 (VCV000513858.9), dbSNP rs1216670824, ClinGen allele CA429228697.
Genomic context (GRCh38, chr2:151,531,804, plus strand): 5'-CAGATGCCCCCTGAGTTTGAGAAGGTATTCAGTGTTTCTTGCACTTACATCGCTGATTTG[T>C]TTGTTGACTTTTGTAGTACGCAGGTGTTCTGGAGTATCCACAATTGAGGTAAATTTGTCC-3'
Protein context (NP_001157980.2, residues 7160-7180): PEHLRTTKVN[Lys7170=]QISDILYKLE